The following is an entry in ClinVar:

NM_004415.4(DSP):c.6515_6516del (p.Phe2172fs)

Gene: DSP (desmoplakin; plus strand). Cytogenetic location: 6p24.3.
Variant type: Deletion.
Coding change: c.6515_6516del on transcript NM_004415.4 (MANE Select); coding-DNA positions 6515 to 6516, 2 bases deleted (TT; older notation c.6515_6516delTT).
Protein change: p.Phe2172fs; shifts the reading frame from phenylalanine 2172.
Molecular consequence: frameshift variant.
Genome position (GRCh38, 1-based): chr6:7,583,777-7,583,778, TT deleted; deleting any 2 consecutive bases within chr6:7,583,776-7,583,778 gives the same sequence; the c. name uses the placement nearest the transcript's 3' end. VCF-style (leftmost placement, unchanged base first): chr6-7583775-CTT-C. GRCh37 (hg19) VCF-style: chr6-7584008-CTT-C.
Other names: c.4718_4719del, p.Phe1573fs (NM_001008844.3); c.5186_5187del, p.Phe1729fs (NM_001319034.2); short protein forms F1573fs, F1729fs, F2172fs.
Identifiers: ClinVar variation 3386703 (VCV003386703.1).
Genomic context (GRCh38, chr6:7,583,775, plus strand): 5'-GGGGCTGATTGATAGAGATTTGTATCGATCCCTGAATGATCCCCGAGATAGTCAGAAAAA[CTT>C]TGTGGATCCAGTCACCAAAAAGAAGGTCAGTTACGTGCAGCTGAAGGAACGGTGCAGAAT-3'

ClinVar aggregate classification (germline): Likely pathogenic (1 of 4 stars; one submission).

Conditions:
Arrhythmogenic cardiomyopathy with wooly hair and keratoderma. Also called: Carvajal syndrome; PALMOPLANTAR KERATODERMA WITH LEFT VENTRICULAR CARDIOMYOPATHY AND WOOLLY HAIR; Dilated cardiomyopathy with woolly hair and keratoderma; Arrhythmogenic cardiomyopathy with woolly hair and keratoderma. Identifiers: Orphanet 65282, MedGen C1854063, MONDO:0011581, OMIM 605676.

Submission:

All of Us Research Program, National Institutes of Health
Classification: Likely pathogenic for Arrhythmogenic cardiomyopathy with wooly hair and keratoderma. Last evaluated: 2024-09-23. Review status: criteria provided, single submitter. Criteria: ACMG Guidelines, 2015. Collection method: clinical testing. Allele origin: germline. Inheritance: Autosomal dominant inheritance. Observed: 1 variant allele, 1 heterozygote.
Comment: This variant deletes 2 nucleotides in the last exon of the DSP gene, creating a frameshift and premature translation stop signal. This variant alters C-terminal plakin repeat domains and is expected to disrupt DSP protein function (PMID: 12101406, 12802069, 21756917). To our knowledge, this variant has not been reported in individuals affected with DSP-related disorders in the literature. This variant has not been identified in the general population by the Genome Aggregation Database (gnomAD). Loss of DSP function is a known mechanism of disease. Based on the available evidence, this variant is classified as Likely Pathogenic.

This study involves interpretation of variants in research participants for the purpose of population health screening. Participant phenotype was not available at the time of variant classification. Additional details can be found in publication PMID: 35346344, PMCID: PMC8962531

Literature cited by the submitters: PubMed 12101406; PubMed 12802069; PubMed 21756917.